The following is an entry in ClinVar:

ClinVar aggregate classification (germline): Conflicting classifications of pathogenicity. Review status: criteria provided, conflicting classifications (1 of 4 stars). 2 submissions from 2 submitters: Uncertain significance (1); Likely benign (1). Last evaluated 2025-08-24.

Conditions:
Cardiovascular phenotype. Identifiers: MedGen CN230736.

Submissions (2):

Labcorp Genetics (formerly Invitae), Labcorp
Classification: Uncertain significance. Last evaluated: 2025-08-24. Review status: criteria provided, single submitter. Criteria: Invitae Variant Classification Sherloc (09022015). Collection method: clinical testing. Allele origin: germline.
Comment: This sequence change replaces aspartic acid, which is acidic and polar, with asparagine, which is neutral and polar, at codon 821 of the ALPK3 protein (p.Asp821Asn). This variant is present in population databases (rs142807181, gnomAD 0.007%). This variant has not been reported in the literature in individuals affected with ALPK3-related conditions. ClinVar contains an entry for this variant (Variation ID: 3610013). Invitae Evidence Modeling of protein sequence and biophysical properties (such as structural, functional, and spatial information, amino acid conservation, physicochemical variation, residue mobility, and thermodynamic stability) indicates that this missense variant is not expected to disrupt ALPK3 protein function with a negative predictive value of 80%. In summary, the available evidence is currently insufficient to determine the role of this variant in disease. Therefore, it has been classified as a Variant of Uncertain Significance.

Ambry Genetics
Classification: Likely benign for Cardiovascular phenotype. Last evaluated: 2024-12-13. Review status: criteria provided, single submitter. Criteria: Ambry Variant Classification Scheme 2023. Collection method: clinical testing. Allele origin: germline.

NM_020778.5(ALPK3):c.1855G>A (p.Asp619Asn)

Gene: ALPK3 (alpha kinase 3; plus strand). Cytogenetic location: 15q25.3.
Variant type: single nucleotide variant.
Coding change: c.1855G>A on transcript NM_020778.5 (MANE Select); coding-DNA position 1855, G replaced by A.
Protein change: p.Asp619Asn; replaces aspartic acid 619 with asparagine.
Molecular consequence: missense variant.
Genome position (GRCh38, 1-based): chr15:84,856,593, G>A. VCF-style: chr15-84856593-G-A. GRCh37 (hg19) VCF-style: chr15-85399824-G-A.
Other names: c.2461G>A (NM_020778.4); short protein forms D619N.
Identifiers: ClinVar variation 3610013 (VCV003610013.3).